The following is an entry in ClinVar:

NM_020639.3(RIPK4):c.1941G>A (p.Thr647=)

Gene: RIPK4 (receptor interacting serine/threonine kinase 4; minus strand). Cytogenetic location: 21q22.3.
Variant type: single nucleotide variant.
Coding change: c.1941G>A on transcript NM_020639.3 (MANE Select); coding-DNA position 1941, G replaced by A.
Protein change: p.Thr647=; no amino-acid change (threonine 647 retained).
Molecular consequence: synonymous variant.
Genome position (GRCh38, 1-based): chr21:41,741,252, C>T on the plus strand (G>A on the coding strand, the complement: RIPK4 is on the minus strand). VCF-style: chr21-41741252-C-T. GRCh37 (hg19) VCF-style: chr21-43161412-C-T.
Identifiers: ClinVar variation 340016 (VCV000340016.11), dbSNP rs116160025, ClinGen allele CA10035172.
Genomic context (GRCh38, chr21:41,741,252, plus strand): 5'-GGTCATGGCCTCCTTGCCAGCGCCCCGATGCAGGAGCAGCCTGGCAGTGCTCGTGTGCCC[C>T]GTCTCCGCGGCCACGTGCAGGGGTGTCTGTGCCAGCAGGCTGCAGACGTTGACGTCGGAG-3'
Protein context (NP_065690.2, residues 637-657): AQTPLHVAAE[Thr647=]GHTSTARLLL

ClinVar aggregate classification (germline): Benign/Likely benign. Review status: criteria provided, multiple submitters, no conflicts (2 of 4 stars). 4 submissions from 4 submitters: Benign (1); Likely benign (3). Last evaluated 2024-11-22.

Conditions:
Bartsocas-Papas syndrome 1. Also called: MULTIPLE PTERYGIUM SYNDROME, ASLAN TYPE; PTERYGIUM, POPLITEAL, LETHAL TYPE; Bartsocas-Papas syndrome. Identifiers: Orphanet 1234, MedGen C1849718, MONDO:0009901, OMIM 263650.

Allele frequency attached by ClinVar (database versions not stated): gnomAD exomes 0.00029 and 0.00072; ExAC 0.00088; ESP Exome Variant Server 0.00254; gnomAD 0.00299 and 0.00314; TOPMed 0.00315; 1000 Genomes Project 0.00479; 1000 Genomes Project 30x 0.00515.
gnomAD v4.1: 895 of 1,608,690 alleles (0.056%); highest among the groups gnomAD compares: African/African-American, 1.1%; 6 homozygotes.

Submissions (4):

Blueprint Genetics
Classification: Likely benign. Last evaluated: 2024-11-22. Review status: criteria provided, single submitter. Criteria: ACMG Guidelines, 2015. Collection method: clinical testing. Allele origin: germline.

Labcorp Genetics (formerly Invitae), Labcorp
Classification: Benign. Last evaluated: 2019-12-31. Review status: criteria provided, single submitter. Criteria: Invitae Variant Classification Sherloc (09022015). Collection method: clinical testing. Allele origin: germline.

Illumina Laboratory Services, Illumina
Classification: Likely benign for Bartsocas-Papas syndrome 1. Last evaluated: 2018-01-13. Review status: criteria provided, single submitter. Criteria: ICSL Variant Classification Criteria 13 December 2019. Collection method: clinical testing. Allele origin: germline.
Comment: This variant was observed in the ICSL laboratory as part of a predisposition screen in an ostensibly healthy population. It had not been previously curated by ICSL or reported in the Human Gene Mutation Database (HGMD: prior to June 1st, 2018), and was therefore a candidate for classification through an automated scoring system. Utilizing variant allele frequency, disease prevalence and penetrance estimates, and inheritance mode, an automated score was calculated to assess if this variant is too frequent to cause the disease. Based on the score and internal cut-off values, a variant classified as likely benign is not then subjected to further curation. The score for this variant resulted in a classification of likely benign for this disease.

Breakthrough Genomics
Classification: Likely benign. Review status: criteria provided, single submitter. Criteria: ACMG Guidelines, 2015. Collection method: not provided. Allele origin: germline. Inheritance: Autosomal recessive inheritance. Affected: yes.